The following is an entry in ClinVar:

ClinVar aggregate classification (germline): Likely pathogenic. Review status: criteria provided, multiple submitters, no conflicts (2 of 4 stars). 2 submissions from 2 submitters: Likely pathogenic (2). Last evaluated 2025-08-29.

Conditions:
Hypophosphatasia. Also called: Phosphoethanol-aminuria. Identifiers: Orphanet 436, MedGen C0020630, MeSH D007014, MONDO:0018570.

Submissions (2):

Genomenon, Inc
Classification: Likely pathogenic for Hypophosphatasia. Last evaluated: 2025-08-29. Review status: criteria provided, single submitter. Criteria: Genomenon Sequence Variant Interpretation Standards. Collection method: curation. Allele origin: germline. Affected: yes.
Comment: ALPL c.319G>A is a missense variant that changes the amino acid at residue 107 from Valine to Isoleucine. This variant has been observed in at least one proband affected with hypophosphatasia (PMID:30049651;38130758). Functional studies have been reported;however, the significance of the findings remain unclear (PMID:38130758). It is absent or not present at a significant frequency in gnomAD. In silico models agree that this variant is possibly or probably damaging. In conclusion, we classify ALPL p.Val107Ile (c.319G>A) as a likely pathogenic variant.

JKU Lab, Dept of Paediatrics, Johannes Kepler University
Classification: Likely pathogenic for Hypophosphatasia. Last evaluated: 2024-04-09. Review status: criteria provided, single submitter. Criteria: ACMG Guidelines, 2015. Collection method: clinical testing. Allele origin: germline. Affected: yes.
Comment: The variant is absent from GnomAD. The ACMG criteria applied can be looked up in the ALPL gene variant database.

Literature cited by the submitters: PubMed 30049651 (cited by Genomenon, Inc and JKU Lab, Dept of Paediatrics, Johannes Kepler University); PubMed 38130758 (cited by Genomenon, Inc and JKU Lab, Dept of Paediatrics, Johannes Kepler University).

NM_000478.6(ALPL):c.319G>A (p.Val107Ile)

Gene: ALPL (alkaline phosphatase, biomineralization associated; plus strand). Cytogenetic location: 1p36.12.
Variant type: single nucleotide variant.
Coding change: c.319G>A on transcript NM_000478.6 (MANE Select); coding-DNA position 319, G replaced by A.
Protein change: p.Val107Ile; replaces valine 107 with isoleucine.
Molecular consequence: missense variant.
Genome position (GRCh38, 1-based): chr1:21,563,131, G>A. VCF-style: chr1-21563131-G-A. GRCh37 (hg19) VCF-style: chr1-21889624-G-A.
Other names: c.154G>A, p.Val52Ile (NM_001127501.4); c.88G>A, p.Val30Ile (NM_001177520.3); c.319G>A, p.Val107Ile (NM_001369803.2, NM_001369804.2, NM_001369805.2); short protein forms V107I, V30I, V52I.
Identifiers: ClinVar variation 3235878 (VCV003235878.2), dbSNP rs2545298581, ClinGen allele CA338877092.